The following is an entry in ClinVar:

NM_001379200.1(TBX1):c.104G>T (p.Gly35Val)

Gene: TBX1 (T-box transcription factor 1; plus strand). Cytogenetic location: 22q11.21.
Variant type: single nucleotide variant.
Coding change: c.104G>T on transcript NM_001379200.1 (MANE Select); coding-DNA position 104, G replaced by T.
Protein change: p.Gly35Val; replaces glycine 35 with valine.
Molecular consequence: missense variant.
Genome position (GRCh38, 1-based): chr22:19,760,947, G>T. VCF-style: chr22-19760947-G-T. GRCh37 (hg19) VCF-style: chr22-19748470-G-T.
Other names: c.77G>T, p.Gly26Val (NM_005992.1, NM_080646.2, NM_080647.1); short protein forms G26V, G35V.
Identifiers: ClinVar variation 2056420 (VCV002056420.5), dbSNP rs1333920751, ClinGen allele CA410681161.

ClinVar aggregate classification (germline): Uncertain significance. Review status: criteria provided, multiple submitters, no conflicts (2 of 4 stars). 2 submissions from 2 submitters: Uncertain significance (2). Last evaluated 2025-06-06.

Conditions:
Cardiovascular phenotype. Identifiers: MedGen CN230736.
DiGeorge syndrome. Also called: THIRD AND FOURTH PHARYNGEAL POUCH SYNDROME; Catch22. Identifiers: Orphanet 567, MedGen C0012236, MONDO:0008564, OMIM 188400.

gnomAD v4.1: 1 of 1,001,268 alleles (0.0001%); highest among the groups gnomAD compares: African/African-American, 0.0018%; no homozygotes.

Submissions (2):

Ambry Genetics
Classification: Uncertain significance for Cardiovascular phenotype. Last evaluated: 2025-06-06. Review status: criteria provided, single submitter. Criteria: Ambry Variant Classification Scheme 2023. Collection method: clinical testing. Allele origin: germline.

Labcorp Genetics (formerly Invitae), Labcorp
Classification: Uncertain significance for DiGeorge syndrome. Last evaluated: 2023-08-04. Review status: criteria provided, single submitter. Criteria: Invitae Variant Classification Sherloc (09022015). Collection method: clinical testing. Allele origin: germline.
Comment: This sequence change replaces glycine, which is neutral and non-polar, with valine, which is neutral and non-polar, at codon 26 of the TBX1 protein (p.Gly26Val). The frequency data for this variant in the population databases is considered unreliable, as metrics indicate insufficient coverage at this position in the gnomAD database. This variant has not been reported in the literature in individuals affected with TBX1-related conditions. ClinVar contains an entry for this variant (Variation ID: 2056420). Experimental studies and prediction algorithms are not available or were not evaluated, and the functional significance of this variant is currently unknown. In summary, the available evidence is currently insufficient to determine the role of this variant in disease. Therefore, it has been classified as a Variant of Uncertain Significance.